The following is an entry in ClinVar:

ClinVar aggregate classification (germline): Uncertain significance (1 of 4 stars; one submission).

Conditions:
Emery-Dreifuss muscular dystrophy 5, autosomal dominant (EDMD5). Also called: EMERY-DREIFUSS MUSCULAR DYSTROPHY 5. Identifiers: Orphanet 261, MedGen C2751805, MONDO:0013072, OMIM 612999.

Allele frequency attached by ClinVar (database versions not stated): ExAC 0.00001; gnomAD exomes 0.00001.
gnomAD v4.1: 7 of 1,614,186 alleles (0.00043%); highest among the groups gnomAD compares: Admixed American, 0.0033%; no homozygotes.

Submission:

Labcorp Genetics (formerly Invitae), Labcorp
Classification: Uncertain significance for Emery-Dreifuss muscular dystrophy 5, autosomal dominant. Last evaluated: 2022-12-22. Review status: criteria provided, single submitter. Criteria: Invitae Variant Classification Sherloc (09022015). Collection method: clinical testing. Allele origin: germline.
Comment: In summary, the available evidence is currently insufficient to determine the role of this variant in disease. Therefore, it has been classified as a Variant of Uncertain Significance. Algorithms developed to predict the effect of missense changes on protein structure and function are either unavailable or do not agree on the potential impact of this missense change (SIFT: "Tolerated"; PolyPhen-2: "Possibly Damaging"; Align-GVGD: "Class C0"). ClinVar contains an entry for this variant (Variation ID: 1520121). This variant has not been reported in the literature in individuals affected with SYNE2-related conditions. The frequency data for this variant in the population databases is considered unreliable, as metrics indicate poor data quality at this position in the gnomAD database. This sequence change replaces valine, which is neutral and non-polar, with leucine, which is neutral and non-polar, at codon 4751 of the SYNE2 protein (p.Val4751Leu).

NM_182914.3(SYNE2):c.14251G>C (p.Val4751Leu)

Gene: SYNE2 (spectrin repeat containing nuclear envelope protein 2; plus strand). Cytogenetic location: 14q23.2.
Variant type: single nucleotide variant.
Coding change: c.14251G>C on transcript NM_182914.3 (MANE Select); coding-DNA position 14251, G replaced by C.
Protein change: p.Val4751Leu; replaces valine 4751 with leucine.
Molecular consequence: missense variant.
Genome position (GRCh38, 1-based): chr14:64,130,159, G>C. VCF-style: chr14-64130159-G-C. GRCh37 (hg19) VCF-style: chr14-64596877-G-C.
Other names: c.14251G>C, p.Val4751Leu (NM_015180.6); short protein forms V4751L.
Identifiers: ClinVar variation 1520121 (VCV001520121.8), dbSNP rs768078645, ClinGen allele CA7222726.
Genomic context (GRCh38, chr14:64,130,159, plus strand): 5'-AGCAGCCCTTTCGTCACTGAGAGCCAGCAAGATGCTTTGTTGCAAGGCATGGTGGAACTG[G>C]TGAAGATTGGGAAGGAAAAGCTTGCTCATGGCCACTTAAAACAAACCAAAAGTAAAGTGG-3'
Protein context (NP_878918.2, residues 4741-4761): DALLQGMVEL[Val4751Leu]KIGKEKLAHG